The following is an entry in ClinVar:

NM_006939.4(SOS2):c.2585A>G (p.Asp862Gly)

Gene: SOS2 (SOS Ras/Rho guanine nucleotide exchange factor 2; minus strand). Cytogenetic location: 14q21.3.
Variant type: single nucleotide variant.
Coding change: c.2585A>G on transcript NM_006939.4 (MANE Select); coding-DNA position 2585, A replaced by G.
Protein change: p.Asp862Gly; replaces aspartic acid 862 with glycine.
Molecular consequence: missense variant.
Genome position (GRCh38, 1-based): chr14:50,145,252, T>C on the plus strand (A>G on the coding strand, the complement: SOS2 is on the minus strand). VCF-style: chr14-50145252-T-C. GRCh37 (hg19) VCF-style: chr14-50611970-T-C.
Other names: c.2486A>G, p.Asp829Gly (NM_001411020.1); short protein forms D829G, D862G.
Identifiers: ClinVar variation 2821459 (VCV002821459.3), dbSNP rs2502914950, ClinGen allele CA389643059.

ClinVar aggregate classification (germline): Uncertain significance (1 of 4 stars; one submission).

Conditions:
Noonan syndrome 9 (NS9). Identifiers: Orphanet 648, MedGen C4225282, MONDO:0014691, OMIM 616559.

Submission:

Labcorp Genetics (formerly Invitae), Labcorp
Classification: Uncertain significance for Noonan syndrome 9. Last evaluated: 2023-06-02. Review status: criteria provided, single submitter. Criteria: Invitae Variant Classification Sherloc (09022015). Collection method: clinical testing. Allele origin: germline.
Comment: In summary, the available evidence is currently insufficient to determine the role of this variant in disease. Therefore, it has been classified as a Variant of Uncertain Significance. Advanced modeling of protein sequence and biophysical properties (such as structural, functional, and spatial information, amino acid conservation, physicochemical variation, residue mobility, and thermodynamic stability) performed at Invitae indicates that this missense variant is not expected to disrupt SOS2 protein function. This variant has not been reported in the literature in individuals affected with SOS2-related conditions. This variant is not present in population databases (gnomAD no frequency). This sequence change replaces aspartic acid, which is acidic and polar, with glycine, which is neutral and non-polar, at codon 862 of the SOS2 protein (p.Asp862Gly).